The following is an entry in ClinVar:

ClinVar aggregate classification (germline): Uncertain significance. Review status: criteria provided, multiple submitters, no conflicts (2 of 4 stars). 2 submissions from 2 submitters: Uncertain significance (2). Last evaluated 2025-03-07.

Conditions:
Inborn genetic diseases. Identifiers: MedGen C0950123, MeSH D030342.
Baller-Gerold syndrome (BGS). Also called: CRANIOSYNOSTOSIS WITH RADIAL DEFECTS. Identifiers: Orphanet 1225, MedGen C0265308, MONDO:0009039, OMIM 218600.

Allele frequency attached by ClinVar (database versions not stated): gnomAD exomes below 0.00001.

Submissions (2):

Ambry Genetics
Classification: Uncertain significance for Inborn genetic diseases. Last evaluated: 2025-03-07. Review status: criteria provided, single submitter. Criteria: Ambry Variant Classification Scheme 2023. Collection method: clinical testing. Allele origin: germline.
Comment: The p.F201L variant (also known as c.603T>G), located in coding exon 5 of the RECQL4 gene, results from a T to G substitution at nucleotide position 603. The phenylalanine at codon 201 is replaced by leucine, an amino acid with highly similar properties. This amino acid position is conserved. In addition, this alteration is predicted to be tolerated by in silico analysis. Based on the available evidence, the clinical significance of this variant remains unclear.

Labcorp Genetics (formerly Invitae), Labcorp
Classification: Uncertain significance for Baller-Gerold syndrome. Last evaluated: 2023-05-02. Review status: criteria provided, single submitter. Criteria: Invitae Variant Classification Sherloc (09022015). Collection method: clinical testing. Allele origin: germline.
Comment: In summary, the available evidence is currently insufficient to determine the role of this variant in disease. Therefore, it has been classified as a Variant of Uncertain Significance. Advanced modeling of protein sequence and biophysical properties (such as structural, functional, and spatial information, amino acid conservation, physicochemical variation, residue mobility, and thermodynamic stability) performed at Invitae indicates that this missense variant is not expected to disrupt RECQL4 protein function. ClinVar contains an entry for this variant (Variation ID: 956188). This variant has not been reported in the literature in individuals affected with RECQL4-related conditions. This variant is present in population databases (no rsID available, gnomAD 0.006%). This sequence change replaces phenylalanine, which is neutral and non-polar, with leucine, which is neutral and non-polar, at codon 201 of the RECQL4 protein (p.Phe201Leu).

NM_004260.4(RECQL4):c.603T>G (p.Phe201Leu)

Gene: RECQL4 (RecQ like helicase 4; minus strand). Cytogenetic location: 8q24.3.
Variant type: single nucleotide variant.
Coding change: c.603T>G on transcript NM_004260.4 (MANE Select); coding-DNA position 603, T replaced by G.
Protein change: p.Phe201Leu; replaces phenylalanine 201 with leucine.
Molecular consequence: missense variant.
Genome position (GRCh38, 1-based): chr8:144,516,516, A>C on the plus strand (T>G on the coding strand, the complement: RECQL4 is on the minus strand). VCF-style: chr8-144516516-A-C. GRCh37 (hg19) VCF-style: chr8-145741900-A-C.
Other names: short protein forms F201L.
Identifiers: ClinVar variation 956188 (VCV000956188.6), dbSNP rs1300462160, ClinGen allele CA372690113.